The following is an entry in ClinVar:

ClinVar aggregate classification (germline): Pathogenic (1 of 4 stars; one submission).

Conditions:
Duchenne muscular dystrophy (DMD). Also called: Duchenne Muscular Dystrophy (DMD); MUSCULAR DYSTROPHY, PSEUDOHYPERTROPHIC PROGRESSIVE, DUCHENNE TYPE. Identifiers: Orphanet 98896, MedGen C0013264, MONDO:0010679, OMIM 310200.

Submission:

Labcorp Genetics (formerly Invitae), Labcorp
Classification: Pathogenic for Duchenne muscular dystrophy. Last evaluated: 2022-08-03. Review status: criteria provided, single submitter. Criteria: Invitae Variant Classification Sherloc (09022015). Collection method: clinical testing. Allele origin: germline.
Comment: This variant results in a copy number gain of the genomic region encompassing exon(s) 56-65 of the DMD gene. While the exact position of this variant cannot be determined from the data, sub-genic copy number gains are generally in tandem (PMID: 25640679). This variant is predicted to be out-of-frame, and may result in an absent or disrupted protein product. Loss-of-function variants in DMD are known to be pathogenic (PMID: 16770791, 25007885). A similar copy number variant has been observed in individuals with DMD-related conditions (PMID: 25761239; Invitae). For these reasons, this variant has been classified as Pathogenic.

Literature cited by the submitters: PubMed 25640679; PubMed 16770791; PubMed 25007885; PubMed 25761239.

NC_000023.10:g.(?_31227595)_(31627738_?)dup

Gene: DMD (dystrophin; minus strand). Cytogenetic location: Xp21.2-21.1.
Variant type: Duplication.
Identifiers: ClinVar variation 2424987 (VCV002424987.5).